The following is an entry in ClinVar:

NM_172364.5(CACNA2D4):c.1219G>A (p.Ala407Thr)

Gene: CACNA2D4 (calcium voltage-gated channel auxiliary subunit alpha2delta 4; minus strand). Cytogenetic location: 12p13.33.
Variant type: single nucleotide variant.
Coding change: c.1219G>A on transcript NM_172364.5 (MANE Select); coding-DNA position 1219, G replaced by A.
Protein change: p.Ala407Thr; replaces alanine 407 with threonine.
Molecular consequence: missense variant.
Genome position (GRCh38, 1-based): chr12:1,884,821, C>T on the plus strand (G>A on the coding strand, the complement: CACNA2D4 is on the minus strand). VCF-style: chr12-1884821-C-T. GRCh37 (hg19) VCF-style: chr12-1993987-C-T.
Other names: short protein forms A407T.
Identifiers: ClinVar variation 838988 (VCV000838988.16), dbSNP rs755825391, ClinGen allele CA6387223.

ClinVar aggregate classification (germline): Uncertain significance. Review status: criteria provided, multiple submitters, no conflicts (2 of 4 stars). 5 submissions from 5 submitters: Uncertain significance (5). Last evaluated 2025-04-19.

Conditions:
Inborn genetic diseases. Identifiers: MedGen C0950123, MeSH D030342.
Retinal cone dystrophy 4 (RCD4). Identifiers: Orphanet 1872, MedGen C1864849, MONDO:0012507, OMIM 610478.

Allele frequency attached by ClinVar (database versions not stated): gnomAD exomes 0.00006 and 0.00010; gnomAD 0.00008; ExAC 0.00009; TOPMed 0.00009.

Submissions (5):

Labcorp Genetics (formerly Invitae), Labcorp
Classification: Uncertain significance. Last evaluated: 2025-04-19. Review status: criteria provided, single submitter. Criteria: Invitae Variant Classification Sherloc (09022015). Collection method: clinical testing. Allele origin: germline.
Comment: This sequence change replaces alanine, which is neutral and non-polar, with threonine, which is neutral and polar, at codon 407 of the CACNA2D4 protein (p.Ala407Thr). This variant is present in population databases (rs755825391, gnomAD 0.2%), and has an allele count higher than expected for a pathogenic variant. This variant has not been reported in the literature in individuals affected with CACNA2D4-related conditions. ClinVar contains an entry for this variant (Variation ID: 838988). An algorithm developed to predict the effect of missense changes on protein structure and function (PolyPhen-2) suggests that this variant is likely to be disruptive. In summary, the available evidence is currently insufficient to determine the role of this variant in disease. Therefore, it has been classified as a Variant of Uncertain Significance.

Blueprint Genetics
Classification: Uncertain significance. Last evaluated: 2023-10-24. Review status: criteria provided, single submitter. Criteria: ACMG Guidelines, 2015. Collection method: clinical testing. Allele origin: germline.

GeneDx
Classification: Uncertain significance. Last evaluated: 2023-06-14. Review status: criteria provided, single submitter. Criteria: GeneDx Variant Classification Process June 2021. Collection method: clinical testing. Allele origin: germline.
Comment: In silico analysis supports that this missense variant has a deleterious effect on protein structure/function; Has not been previously published as pathogenic or benign to our knowledge

Ambry Genetics
Classification: Uncertain significance for Inborn genetic diseases. Last evaluated: 2022-12-19. Review status: criteria provided, single submitter. Criteria: Ambry Variant Classification Scheme 2023. Collection method: clinical testing. Allele origin: germline.

Illumina Laboratory Services, Illumina
Classification: Uncertain significance for Retinal cone dystrophy 4. Last evaluated: 2018-01-13. Review status: criteria provided, single submitter. Criteria: ICSL Variant Classification Criteria 13 December 2019. Collection method: clinical testing. Allele origin: germline.